The following is an entry in ClinVar:

ClinVar aggregate classification (germline): Pathogenic (1 of 4 stars; one submission).

Conditions:
Severe X-linked myotubular myopathy (CNMX). Also called: X-linked centronuclear myopathy; MYOTUBULAR MYOPATHY 1; Myotubular myopathy, X-linked. Identifiers: Orphanet 596, MedGen C0410203, MONDO:0010683, OMIM 310400.

Submission:

Labcorp Genetics (formerly Invitae), Labcorp
Classification: Pathogenic for Severe X-linked myotubular myopathy. Last evaluated: 2022-07-18. Review status: criteria provided, single submitter. Criteria: Invitae Variant Classification Sherloc (09022015). Collection method: clinical testing. Allele origin: germline.
Comment: This variant is a gross deletion of the genomic region encompassing exon(s) 14 of the MTM1 gene. This variant would be expected to be in-frame, preserving the integrity of the reading frame. A similar copy number variant has been observed in individual(s) with clinical features of centronuclear myopathy (Invitae). In at least one individual the variant was observed to be de novo. Experimental studies and prediction algorithms are not available or were not evaluated, and the functional significance of this variant is currently unknown. For these reasons, this variant has been classified as Pathogenic.

NC_000023.10:g.(?_149831896)_(149832092_?)del

Gene: MTM1 (myotubularin 1; plus strand). Cytogenetic location: Xq28.
Variant type: Deletion.
Identifiers: ClinVar variation 831990 (VCV000831990.9).